The following is an entry in ClinVar:

ClinVar aggregate classification (germline): Uncertain significance. Review status: criteria provided, multiple submitters, no conflicts (2 of 4 stars). 3 submissions from 3 submitters: Uncertain significance (2). 1 of the submissions does not count toward it. Last evaluated 2021-09-01.

Conditions:
Nemaline myopathy 2 (NEM2). Also called: Nemaline myopathy 2, autosomal recessive. Identifiers: MedGen C1850569, MONDO:0009725, OMIM 256030.

Allele frequency attached by ClinVar (database versions not stated): TOPMed below 0.00001.

Submissions (3):

Labcorp Genetics (formerly Invitae), Labcorp
Classification: Uncertain significance for Nemaline myopathy 2. Last evaluated: 2021-09-01. Review status: criteria provided, single submitter. Criteria: Invitae Variant Classification Sherloc (09022015). Collection method: clinical testing. Allele origin: germline.
Comment: This sequence change replaces glutamine with arginine at codon 2387 of the NEB protein (p.Gln2387Arg). The glutamine residue is moderately conserved and there is a small physicochemical difference between glutamine and arginine. This variant is not present in population databases (ExAC no frequency). This variant has not been reported in the literature in individuals affected with NEB-related conditions. Algorithms developed to predict the effect of missense changes on protein structure and function are either unavailable or do not agree on the potential impact of this missense change (SIFT: "Deleterious"; PolyPhen-2: "Not Available"; Align-GVGD: "Class C0"). In summary, the available evidence is currently insufficient to determine the role of this variant in disease. Therefore, it has been classified as a Variant of Uncertain Significance.

Blueprint Genetics
Classification: Uncertain significance. Last evaluated: 2019-08-14. Review status: criteria provided, single submitter. Criteria: ACMG Guidelines, 2015. Collection method: clinical testing. Allele origin: germline.

Natera, Inc.
Classification: Uncertain significance for Nemaline myopathy type 2. Last evaluated: 2020-04-06. Review status: no assertion criteria provided. Collection method: clinical testing. Allele origin: germline. Not counted in ClinVar's aggregate classification.

NM_001164508.2(NEB):c.7160A>G (p.Gln2387Arg)

Gene: NEB (nebulin; minus strand). Cytogenetic location: 2q23.3.
Variant type: single nucleotide variant.
Coding change: c.7160A>G on transcript NM_001164508.2 (MANE Select); coding-DNA position 7160, A replaced by G.
Protein change: p.Gln2387Arg; replaces glutamine 2387 with arginine.
Molecular consequence: missense variant.
Genome position (GRCh38, 1-based): chr2:151,650,641, T>C on the plus strand (A>G on the coding strand, the complement: NEB is on the minus strand). VCF-style: chr2-151650641-T-C. GRCh37 (hg19) VCF-style: chr2-152507155-T-C.
Other names: c.7160A>G, p.Gln2387Arg (NM_001164507.2, NM_001271208.2, NM_004543.5); short protein forms Q2387R.
Identifiers: ClinVar variation 940421 (VCV000940421.12), dbSNP rs2099020273, ClinGen allele CA348789571.